The following is an entry in ClinVar:

ClinVar aggregate classification (germline): Uncertain significance (1 of 4 stars; one submission).

Submission:

Labcorp Genetics (formerly Invitae), Labcorp
Classification: Uncertain significance. Last evaluated: 2024-05-04. Review status: criteria provided, single submitter. Criteria: Invitae Variant Classification Sherloc (09022015). Collection method: clinical testing. Allele origin: germline.
Comment: This sequence change replaces arginine, which is basic and polar, with threonine, which is neutral and polar, at codon 1335 of the ERCC6 protein (p.Arg1335Thr). This variant is not present in population databases (gnomAD no frequency). This variant has not been reported in the literature in individuals affected with ERCC6-related conditions. An algorithm developed to predict the effect of missense changes on protein structure and function (PolyPhen-2) suggests that this variant is likely to be disruptive. In summary, the available evidence is currently insufficient to determine the role of this variant in disease. Therefore, it has been classified as a Variant of Uncertain Significance.

NM_000124.4(ERCC6):c.4004G>C (p.Arg1335Thr)

Gene: ERCC6 (ERCC excision repair 6, chromatin remodeling factor; minus strand). Cytogenetic location: 10q11.23.
Variant type: single nucleotide variant.
Coding change: c.4004G>C on transcript NM_000124.4 (MANE Select); coding-DNA position 4004, G replaced by C.
Protein change: p.Arg1335Thr; replaces arginine 1335 with threonine.
Molecular consequence: missense variant.
Genome position (GRCh38, 1-based): chr10:49,460,431, C>G on the plus strand (G>C on the coding strand, the complement: ERCC6 is on the minus strand). VCF-style: chr10-49460431-C-G. GRCh37 (hg19) VCF-style: chr10-50668477-C-G.
Other names: c.4004G>C, p.Arg1335Thr (NM_001346440.2); short protein forms R1335T.
Identifiers: ClinVar variation 3652139 (VCV003652139.2).